The following is an entry in ClinVar:

Conditions:
Breast-ovarian cancer, familial, susceptibility to, 1 (BROVCA1). Also called: BRCA1 Hereditary Breast and Ovarian Cancer; OVARIAN CANCER, SUSCEPTIBILITY TO. Identifiers: Orphanet 145, MedGen C2676676, MONDO:0011450, OMIM 604370. Disease mechanism: loss of function.

Submission:

Brotman Baty Institute, University of Washington
No classification provided (evidence only). Condition: Breast-ovarian cancer, familial 1. Review status: no classification provided. Collection method: in vitro. Allele origin: not applicable. Functional consequence: functionally_normal.
ClinVar note: "not provided" was previously submitted as the classification for the variant. However, the classification appeared to be based only on an observation of functional data so it was converted to no classification on 2025-07-30.

NM_007294.4(BRCA1):c.-12G>A

Gene: BRCA1 (BRCA1 DNA repair associated; minus strand). Cytogenetic location: 17q21.31.
Variant type: single nucleotide variant.
Coding change: c.-12G>A on transcript NM_007294.4 (MANE Select); 12 bases upstream of the start codon, G replaced by A.
Molecular consequence: 5 prime UTR variant. On other transcripts: non-coding transcript variant (1).
Genome position (GRCh38, 1-based): chr17:43,124,108, C>T on the plus strand (G>A on the coding strand, the complement: BRCA1 is on the minus strand). VCF-style: chr17-43124108-C-T. GRCh37 (hg19) VCF-style: chr17-41276125-C-T.
Other names: c.-200G>A (NM_001407571.1, NM_001407853.1, NM_001407879.1 and 42 more transcripts); c.-12G>A (NM_001407581.1, NM_001407582.1, NM_001407583.1 and 169 more transcripts); c.-269G>A (NM_001407694.1, NM_001407724.1, NM_001407727.1 and 11 more transcripts); c.-273G>A (NM_001407695.1, NM_001408465.1); c.-414G>A (NM_001407696.1); c.-298G>A (NM_001407697.1, NM_001407846.1, NM_001407920.1); c.-99G>A (NM_001407698.1, NM_001407732.1, NM_001407736.1 and 21 more transcripts); c.-272G>A (NM_001407725.1, NM_001407730.1, NM_001407734.1 and 22 more transcripts); and 8 more.
Identifiers: ClinVar variation 864960 (VCV000864960.3), dbSNP rs772037778, ClinGen allele CA916081160.
Genomic context (GRCh38, chr17:43,124,108, plus strand): 5'-CATTAATGACATTTTGTACTTCTTCAACGCGAAGAGCAGATAAATCCATTTCTTTCTGTT[C>T]CAATGAACTTTAACACATTAGAAAAACATATATATATATCTTTTTAAAAGGTTTATAAAA-3'